The following is an entry in ClinVar:

ClinVar aggregate classification (germline): Conflicting classifications of pathogenicity. Review status: criteria provided, conflicting classifications (1 of 4 stars). 2 submissions from 2 submitters: Pathogenic (1); Uncertain significance (1). Last evaluated 2025-12-17.

Conditions:
Wilson disease (WND). Also called: Wilson's disease. Identifiers: Orphanet 905, MedGen C0019202, MONDO:0010200, OMIM 277900. Disease mechanism: loss of function.

Submissions (2):

Natera, Inc.
Classification: Pathogenic for Wilson disease. Last evaluated: 2025-12-17. Review status: criteria provided, single submitter. Criteria: Natera Variant Classification Schema (03/2026). Collection method: clinical testing. Allele origin: germline.
Comment: The c.3446G>A variant in ATP7B is a missense variant predicted to cause substitution of glycine to glutamic acid at amino acid 1149. This variant is rare in the general population with a frequency below the threshold expected for the associated phenotype(s). This variant has been observed in one or more individuals affected with the associated recessive disease, as either homozygous or compound heterozygous with a second variant (PMID: 21796144, 24475083, 25704634, 30702195, 35220961). A different variant at the same position has been determined to be Pathogenic or Likely Pathogenic. Computational prediction algorithms indicate this variant is likely to affect gene or protein function. Given the available evidence, this variant is classified as Pathogenic.

Chongqing Key Laboratory of Child Rare Diseases in Infection and Immunity, Children’s Hospital of Chongqing Medical University
Classification: Uncertain significance for Wilson disease. Last evaluated: 2024-01-01. Review status: criteria provided, single submitter. Criteria: ACMG Guidelines, 2015. Collection method: clinical testing. Allele origin: germline. Inheritance: Autosomal recessive inheritance. Affected: yes.
Comment: Classified as Uncertain significance according to the ACMG/AMP 2015 guidelines (PMID:25741868). The classification was based on the available submitted evidence for Wilson disease (OMIM:277900), including clinical-testing observations, variant consequence/protein annotation, and published or ClinVar evidence where available. Supporting information considered: variant annotation: p.Gly1149Glu; Missense; Protein domain: N-domain-enriched; submitted notation: NM_000053.4:c.3446G>A (p.Gly1149Glu); source variant type: Missense; source domain: N-domain-enriched; allele count n=230: 5.

Literature cited by the submitters: PubMed 21796144 (cited by Natera, Inc.); PubMed 24475083 (cited by Natera, Inc.); PubMed 25704634 (cited by Natera, Inc.); PubMed 30702195 (cited by Natera, Inc.); PubMed 35220961 (cited by Natera, Inc.).

NM_000053.4(ATP7B):c.3446G>A (p.Gly1149Glu)

Gene: ATP7B (ATPase copper transporting beta; minus strand). Cytogenetic location: 13q14.3.
Variant type: single nucleotide variant.
Coding change: c.3446G>A on transcript NM_000053.4 (MANE Select); coding-DNA position 3446, G replaced by A.
Protein change: p.Gly1149Glu; replaces glycine 1149 with glutamic acid.
Molecular consequence: missense variant. On other transcripts: intron variant (2).
Genome position (GRCh38, 1-based): chr13:51,941,191, C>T on the plus strand (G>A on the coding strand, the complement: ATP7B is on the minus strand). VCF-style: chr13-51941191-C-T. GRCh37 (hg19) VCF-style: chr13-52515327-C-T.
Other names: c.3212G>A, p.Gly1071Glu (NM_001406527.1, NM_001406528.1, NM_001330578.2); c.3206G>A, p.Gly1069Glu (NM_001406530.1); c.3194G>A, p.Gly1065Glu (NM_001406531.1, NM_001406532.1, NM_001330579.2); c.3158G>A, p.Gly1053Glu (NM_001406534.1); c.3116G>A, p.Gly1039Glu (NM_001406535.1, NM_001406536.1); c.3107G>A, p.Gly1036Glu (NM_001406537.1); c.2825G>A, p.Gly942Glu (NM_001005918.3); c.3113G>A, p.Gly1038Glu (NM_001243182.2); and 20 more; short protein forms G1000E, G1006E, G1036E, G1038E, G1039E, G1053E, G1065E, G1069E.
Identifiers: ClinVar variation 4815413 (VCV004815413.2).